The following is an entry in ClinVar:

NM_000268.4(NF2):c.1106T>C (p.Met369Thr)

Gene: NF2 (NF2, moesin-ezrin-radixin like (MERLIN) tumor suppressor; plus strand). Cytogenetic location: 22q12.2.
Variant type: single nucleotide variant.
Coding change: c.1106T>C on transcript NM_000268.4 (MANE Select); coding-DNA position 1106, T replaced by C.
Protein change: p.Met369Thr; replaces methionine 369 with threonine.
Molecular consequence: missense variant. On other transcripts: intron variant (1).
Genome position (GRCh38, 1-based): chr22:29,671,932, T>C. VCF-style: chr22-29671932-T-C. GRCh37 (hg19) VCF-style: chr22-30067921-T-C.
Other names: c.992T>C, p.Met331Thr (NM_001407053.1, NM_001407056.1); c.983T>C, p.Met328Thr (NM_001407054.1, NM_001407058.1, NM_181829.3); c.980T>C, p.Met327Thr (NM_001407055.1, NM_181828.3); c.971T>C, p.Met324Thr (NM_001407057.1, NM_001407059.1); c.1106T>C, p.Met369Thr (NM_001407060.1, NM_001407066.1, NM_016418.5 and 2 more transcripts); c.848T>C, p.Met283Thr (NM_001407062.1); c.857T>C, p.Met286Thr (NM_001407063.1, NM_001407064.1, NM_181830.3 and 1 more transcripts); c.572T>C, p.Met191Thr (NM_001407065.1); and 2 more; short protein forms M191T, M283T, M286T, M292T, M324T, M327T, M328T, M331T.
Identifiers: ClinVar variation 3072858 (VCV003072858.3), dbSNP rs745637107, ClinGen allele CA036810.

ClinVar aggregate classification (germline): Uncertain significance. Review status: criteria provided, multiple submitters, no conflicts (2 of 4 stars). 3 submissions from 3 submitters: Uncertain significance (3). Last evaluated 2025-06-08.

Conditions:
Neurofibromatosis, type 2 (SWNV). Also called: BILATERAL ACOUSTIC NEUROFIBROMATOSIS; NF2-Related Schwannomatosis; SCHWANNOMATOSIS, VESTIBULAR. Identifiers: Orphanet 637, MedGen C0027832, MONDO:0007039, OMIM 101000. Disease mechanism: loss of function.
Hereditary cancer-predisposing syndrome. Also called: Tumor predisposition; Hereditary Cancer Syndrome; Hereditary neoplastic syndrome; Neoplastic Syndromes, Hereditary. Identifiers: Orphanet 140162, MedGen C0027672, MeSH D009386, MONDO:0015356.

Allele frequency attached by ClinVar (database versions not stated): ExAC 0.00001; gnomAD exomes 0.00001.
gnomAD v4.1: 3 of 1,614,172 alleles (0.00019%); highest among the groups gnomAD compares: South Asian, 0.0011%; no homozygotes.

Submissions (3):

Labcorp Genetics (formerly Invitae), Labcorp
Classification: Uncertain significance for Neurofibromatosis, type 2. Last evaluated: 2025-06-08. Review status: criteria provided, single submitter. Criteria: Invitae Variant Classification Sherloc (09022015). Collection method: clinical testing. Allele origin: germline.
Comment: This sequence change replaces methionine, which is neutral and non-polar, with threonine, which is neutral and polar, at codon 369 of the NF2 protein (p.Met369Thr). This variant is present in population databases (rs745637107, gnomAD 0.003%). This variant has not been reported in the literature in individuals affected with NF2-related conditions. ClinVar contains an entry for this variant (Variation ID: 3072858). Invitae Evidence Modeling of protein sequence and biophysical properties (such as structural, functional, and spatial information, amino acid conservation, physicochemical variation, residue mobility, and thermodynamic stability) indicates that this missense variant is not expected to disrupt NF2 protein function with a negative predictive value of 80%. In summary, the available evidence is currently insufficient to determine the role of this variant in disease. Therefore, it has been classified as a Variant of Uncertain Significance.

Ambry Genetics
Classification: Uncertain significance for Hereditary cancer-predisposing syndrome. Last evaluated: 2024-10-14. Review status: criteria provided, single submitter. Criteria: Ambry Variant Classification Scheme 2023. Collection method: clinical testing. Allele origin: germline.
Comment: The p.M369T variant (also known as c.1106T>C), located in coding exon 11 of the NF2 gene, results from a T to C substitution at nucleotide position 1106. The methionine at codon 369 is replaced by threonine, an amino acid with similar properties. This amino acid position is conserved. In addition, the in silico prediction for this alteration is inconclusive. Based on the available evidence, the clinical significance of this variant remains unclear.

All of Us Research Program, National Institutes of Health
Classification: Uncertain significance for Neurofibromatosis, type 2. Last evaluated: 2023-08-15. Review status: criteria provided, single submitter. Criteria: ACMG Guidelines, 2015. Collection method: clinical testing. Allele origin: germline. Inheritance: Autosomal dominant inheritance. Observed: 1 variant allele, 1 heterozygote.
Comment: This missense variant replaces methionine with threonine at codon 369 of the NF2 protein. Computational prediction suggests that this variant may not impact protein structure and function (internally defined REVEL score threshold <= 0.5, PMID: 27666373). To our knowledge, functional studies have not been reported for this variant. This variant has not been reported in individuals affected with NF2-related disorders in the literature. This variant has been identified in 1/251482 chromosomes in the general population by the Genome Aggregation Database (gnomAD). The available evidence is insufficient to determine the role of this variant in disease conclusively. Therefore, this variant is classified as a Variant of Uncertain Significance.

This study involves interpretation of variants in research participants for the purpose of population health screening. Participant phenotype was not available at the time of variant classification. Additional details can be found in publication PMID: 35346344, PMCID: PMC8962531